The following is an entry in ClinVar:

NM_207346.3(TSEN54):c.808C>T (p.Pro270Ser)

Gene: TSEN54 (tRNA splicing endonuclease subunit 54; plus strand). Cytogenetic location: 17q25.1.
Variant type: single nucleotide variant.
Coding change: c.808C>T on transcript NM_207346.3 (MANE Select); coding-DNA position 808, C replaced by T.
Protein change: p.Pro270Ser; replaces proline 270 with serine.
Molecular consequence: missense variant.
Genome position (GRCh38, 1-based): chr17:75,521,889, C>T. VCF-style: chr17-75521889-C-T. GRCh37 (hg19) VCF-style: chr17-73517970-C-T.
Other names: short protein forms P270S.
Identifiers: ClinVar variation 1033700 (VCV001033700.1), dbSNP rs758853965, ClinGen allele CA8764272.
Genomic context (GRCh38, chr17:75,521,889, plus strand): 5'-CCCATGAAGGGCCCAGGGGGCCCCTTTCAGCTTCTGGGGTCCCTGGGCCCCAGCCCTGGC[C>T]CGGCCAGGGAGGGGGTGGGGTGCAGCTGGGAGAGTGGCAGAGCCGAGAACGGAGTCACGG-3'
Protein context (NP_997229.2, residues 260-280): LLGSLGPSPG[Pro270Ser]AREGVGCSWE

ClinVar aggregate classification (germline): Uncertain significance (1 of 4 stars; one submission).

Conditions:
Pontocerebellar hypoplasia type 2A (PCH2A). Also called: VOLENDAM NEURODEGENERATIVE DISEASE; PONTOCEREBELLAR HYPOPLASIA WITH PROGRESSIVE CEREBRAL ATROPHY. Identifiers: Orphanet 2524, MedGen C1848526, MONDO:0010190, OMIM 277470.

Allele frequency attached by ClinVar (database versions not stated): gnomAD 0.00002; ExAC 0.00001; gnomAD exomes below 0.00001; TOPMed 0.00001.
gnomAD v4.1: 18 of 1,609,722 alleles (0.0011%); highest among the groups gnomAD compares: Admixed American, 0.0034%; no homozygotes.

Submission:

Baylor Genetics
Classification: Uncertain significance for Pontocerebellar hypoplasia type 2A. Last evaluated: 2018-08-09. Review status: criteria provided, single submitter. Criteria: ACMG Guidelines, 2015. Collection method: clinical testing. Allele origin: unknown. Affected: yes.
Comment: This variant was determined to be of uncertain significance according to ACMG Guidelines, 2015 [PMID:25741868].